The following is an entry in ClinVar:

ClinVar aggregate classification (germline): Uncertain significance. Review status: criteria provided, multiple submitters, no conflicts (2 of 4 stars). 2 submissions from 2 submitters: Uncertain significance (2). Last evaluated 2025-06-19.

Conditions:
Brown-Vialetto-van Laere syndrome 2. Also called: SPINOCEREBELLAR ATAXIA WITH BLINDNESS AND DEAFNESS 2; Riboflavin transporter deficiency type 2. Identifiers: Orphanet 572543, Orphanet 97229, MedGen C3553538, MONDO:0013867, OMIM 614707.
Inborn genetic diseases. Identifiers: MedGen C0950123, MeSH D030342.

Allele frequency attached by ClinVar (database versions not stated): gnomAD 0.00001; TOPMed 0.00002; ExAC 0.00003; gnomAD exomes 0.00004.

Submissions (2):

Ambry Genetics
Classification: Uncertain significance for Inborn genetic diseases. Last evaluated: 2025-06-19. Review status: criteria provided, single submitter. Criteria: Ambry Variant Classification Scheme 2023. Collection method: clinical testing. Allele origin: germline.

Labcorp Genetics (formerly Invitae), Labcorp
Classification: Uncertain significance for Brown-Vialetto-van Laere syndrome 2. Last evaluated: 2024-04-01. Review status: criteria provided, single submitter. Criteria: Invitae Variant Classification Sherloc (09022015). Collection method: clinical testing. Allele origin: germline.
Comment: This sequence change replaces glutamic acid, which is acidic and polar, with lysine, which is basic and polar, at codon 242 of the SLC52A2 protein (p.Glu242Lys). This variant is present in population databases (rs782595543, gnomAD 0.04%). This variant has not been reported in the literature in individuals affected with SLC52A2-related conditions. ClinVar contains an entry for this variant (Variation ID: 957046). Advanced modeling of protein sequence and biophysical properties (such as structural, functional, and spatial information, amino acid conservation, physicochemical variation, residue mobility, and thermodynamic stability) performed at Invitae indicates that this missense variant is not expected to disrupt SLC52A2 protein function with a negative predictive value of 80%. In summary, the available evidence is currently insufficient to determine the role of this variant in disease. Therefore, it has been classified as a Variant of Uncertain Significance.

NM_001363118.2(SLC52A2):c.724G>A (p.Glu242Lys)

Gene: SLC52A2 (solute carrier family 52 member 2; plus strand). Cytogenetic location: 8q24.3.
Variant type: single nucleotide variant.
Coding change: c.724G>A on transcript NM_001363118.2 (MANE Select); coding-DNA position 724, G replaced by A.
Protein change: p.Glu242Lys; replaces glutamic acid 242 with lysine.
Molecular consequence: missense variant. On other transcripts: non-coding transcript variant (1).
Genome position (GRCh38, 1-based): chr8:144,360,216, G>A. VCF-style: chr8-144360216-G-A. GRCh37 (hg19) VCF-style: chr8-145583876-G-A.
Other names: c.724G>A (NM_024531.3); c.724G>A, p.Glu242Lys (NM_001253815.2, NM_001253816.2, NM_001363120.2 and 2 more transcripts); c.232G>A, p.Glu78Lys (NM_001363122.2); short protein forms E242K, E78K.
Identifiers: ClinVar variation 957046 (VCV000957046.8), dbSNP rs782595543, ClinGen allele CA4938266.